The following is an entry in ClinVar:

NM_000059.4(BRCA2):c.7922A>G (p.Glu2641Gly)

Gene: BRCA2 (BRCA2 DNA repair associated; plus strand). Cytogenetic location: 13q13.1.
Variant type: single nucleotide variant.
Coding change: c.7922A>G on transcript NM_000059.4 (MANE Select); coding-DNA position 7922, A replaced by G.
Protein change: p.Glu2641Gly; replaces glutamic acid 2641 with glycine.
Molecular consequence: missense variant.
Genome position (GRCh38, 1-based): chr13:32,362,639, A>G. VCF-style: chr13-32362639-A-G. GRCh37 (hg19) VCF-style: chr13-32936776-A-G.
Other names: c.7826A>G, p.Glu2609Gly (NM_001406719.1); c.7922A>G, p.Glu2641Gly (NM_001406720.1); c.2990A>G, p.Glu997Gly (NM_001406721.1); c.1505A>G, p.Glu502Gly (NM_001406722.1); short protein forms E2609G, E2641G, E502G, E997G.
Identifiers: ClinVar variation 1718162 (VCV001718162.7), dbSNP rs2137577486, ClinGen allele CA387747189.

ClinVar aggregate classification (germline): Uncertain significance. Review status: criteria provided, multiple submitters, no conflicts (2 of 4 stars). 2 submissions from 2 submitters: Uncertain significance (2). Last evaluated 2023-12-05.

Conditions:
Hereditary breast ovarian cancer syndrome. Also called: BRCA1- and BRCA2-Associated Hereditary Breast and Ovarian Cancer; Hereditary breast and ovarian cancer syndrome (HBOC); Hereditary breast and/or ovarian cancer syndrome; Hereditary breast and ovarian cancer syndrome; Hereditary breast and ovarian cancer; Breast and ovarian cancer. Identifiers: Orphanet 145, MedGen C0677776, MeSH D061325, MONDO:0003582. Disease mechanism: loss of function.
Familial cancer of breast. Also called: BREAST CANCER, FAMILIAL; hereditary breast carcinoma; Hereditary breast cancer. Identifiers: Orphanet 227535, MedGen C0346153, MONDO:0016419, OMIM 114480. Disease mechanism: loss of function.

Submissions (2):

Baylor Genetics
Classification: Uncertain significance for Familial cancer of breast. Last evaluated: 2023-12-05. Review status: criteria provided, single submitter. Criteria: ACMG Guidelines, 2015. Collection method: clinical testing. Allele origin: unknown.

Labcorp Genetics (formerly Invitae), Labcorp
Classification: Uncertain significance for Hereditary breast ovarian cancer syndrome. Last evaluated: 2022-08-27. Review status: criteria provided, single submitter. Criteria: Invitae Variant Classification Sherloc (09022015). Collection method: clinical testing. Allele origin: germline.
Comment: This sequence change replaces glutamic acid, which is acidic and polar, with glycine, which is neutral and non-polar, at codon 2641 of the BRCA2 protein (p.Glu2641Gly). This variant is not present in population databases (gnomAD no frequency). This variant has not been reported in the literature in individuals affected with BRCA2-related conditions. Advanced modeling of protein sequence and biophysical properties (such as structural, functional, and spatial information, amino acid conservation, physicochemical variation, residue mobility, and thermodynamic stability) performed at Invitae indicates that this missense variant is not expected to disrupt BRCA2 protein function. In summary, the available evidence is currently insufficient to determine the role of this variant in disease. Therefore, it has been classified as a Variant of Uncertain Significance.